The following is an entry in ClinVar:

ClinVar aggregate classification (germline): Uncertain significance (1 of 4 stars; one submission).

Allele frequency attached by ClinVar (database versions not stated): TOPMed 0.00002.

Submission:

Labcorp Genetics (formerly Invitae), Labcorp
Classification: Uncertain significance. Last evaluated: 2021-06-28. Review status: criteria provided, single submitter. Criteria: Invitae Variant Classification Sherloc (09022015). Collection method: clinical testing. Allele origin: germline.
Comment: In summary, the available evidence is currently insufficient to determine the role of this variant in disease. Therefore, it has been classified as a Variant of Uncertain Significance. This sequence change replaces alanine with glutamic acid at codon 2201 of the HTT protein (p.Ala2201Glu). The alanine residue is weakly conserved and there is a moderate physicochemical difference between alanine and glutamic acid. This variant is present in population databases (rs750741890, ExAC 0.003%). This variant has not been reported in the literature in individuals with HTT-related conditions. Experimental studies and prediction algorithms are not available or were not evaluated, and the functional significance of this variant is currently unknown.

NM_001388492.1(HTT):c.6596C>A (p.Ala2199Glu)

Gene: HTT (huntingtin; plus strand). Cytogenetic location: 4p16.3.
Variant type: single nucleotide variant.
Coding change: c.6596C>A on transcript NM_001388492.1 (MANE Select); coding-DNA position 6596, C replaced by A.
Protein change: p.Ala2199Glu; replaces alanine 2199 with glutamic acid.
Molecular consequence: missense variant.
Genome position (GRCh38, 1-based): chr4:3,212,110, C>A. VCF-style: chr4-3212110-C-A. GRCh37 (hg19) VCF-style: chr4-3213837-C-A.
Other names: c.6602C>A, p.Ala2201Glu (NM_002111.8); short protein forms A2199E, A2201E.
Identifiers: ClinVar variation 1399582 (VCV001399582.6), dbSNP rs750741890, ClinGen allele CA2825083.
Genomic context (GRCh38, chr4:3,212,110, plus strand): 5'-CCGTGCAGCAGCTCCCTGCTGTCCATCATGTCTTCCAGCCCGAGCTGCCTGCAGAGCCGG[C>A]GGCCTACTGGAGCAAGTTGAATGATCTGTTTGGTAATTAAAATTAAAATTTATCTTATTT-3'
Protein context (NP_001375421.1, residues 2189-2209): VFQPELPAEP[Ala2199Glu]AYWSKLNDLF